The following is an entry in ClinVar:

NM_001365536.1(SCN9A):c.2343+3A>G

Genes: SCN1A-AS1 (SCN1A and SCN9A antisense RNA 1; plus strand), SCN9A (sodium voltage-gated channel alpha subunit 9; minus strand). Cytogenetic location: 2q24.3.
Variant type: single nucleotide variant.
Coding change: c.2343+3A>G on transcript NM_001365536.1 (MANE Select); 3 bases into the intron after coding-DNA position 2343, A replaced by G.
Molecular consequence: intron variant.
Genome position (GRCh38, 1-based): chr2:166,280,354, T>C on the plus strand (A>G on the coding strand, the complement: SCN9A is on the minus strand). VCF-style: chr2-166280354-T-C. GRCh37 (hg19) VCF-style: chr2-167136864-T-C.
Other names: c.2310+3A>G (NM_002977.4).
Identifiers: ClinVar variation 3749727 (VCV003749727.2).

ClinVar aggregate classification (germline): Uncertain significance (1 of 4 stars; one submission).

Conditions:
Neuropathy, hereditary sensory and autonomic, type 2A (HSAN2A). Also called: MORVAN DISEASE; NEUROPATHY, CONGENITAL SENSORY; NEUROPATHY, HEREDITARY SENSORY RADICULAR, AUTOSOMAL RECESSIVE; NEUROPATHY, HEREDITARY SENSORY, TYPE IIA; NEUROPATHY, PROGRESSIVE SENSORY, OF CHILDREN; ACROOSTEOLYSIS, GIACCAI TYPE. Identifiers: Orphanet 970, MedGen C2752089, MONDO:0024309, OMIM 201300.
Generalized epilepsy with febrile seizures plus, type 7 (GEFSP7). Also called: GEFS+, TYPE 7. Identifiers: Orphanet 36387, MedGen C2751778, MONDO:0013470, OMIM 613863.

Submission:

Labcorp Genetics (formerly Invitae), Labcorp
Classification: Uncertain significance for Neuropathy, hereditary sensory and autonomic, type 2A; Generalized epilepsy with febrile seizures plus, type 7. Last evaluated: 2025-11-06. Review status: criteria provided, single submitter. Criteria: Invitae Variant Classification Sherloc (09022015). Collection method: clinical testing. Allele origin: germline.
Comment: This sequence change falls in intron 14 of the SCN9A gene. It does not directly change the encoded amino acid sequence of the SCN9A protein. It affects a nucleotide within the consensus splice site. This variant is not present in population databases (gnomAD no frequency). This variant has not been reported in the literature in individuals affected with SCN9A-related conditions. ClinVar contains an entry for this variant (Variation ID: 3749727). Variants that disrupt the consensus splice site are a relatively common cause of aberrant splicing (PMID: 17576681, 9536098). Algorithms developed to predict the effect of sequence changes on RNA splicing suggest that this variant is not likely to affect RNA splicing. In summary, the available evidence is currently insufficient to determine the role of this variant in disease. Therefore, it has been classified as a Variant of Uncertain Significance.

Literature cited by the submitters: PubMed 17576681; PubMed 9536098.